The following is an entry in ClinVar:

NM_020975.6(RET):c.1780C>T (p.His594Tyr)

Gene: RET (ret proto-oncogene; plus strand). Cytogenetic location: 10q11.21.
Variant type: single nucleotide variant.
Coding change: c.1780C>T on transcript NM_020975.6 (MANE Select); coding-DNA position 1780, C replaced by T.
Protein change: p.His594Tyr; replaces histidine 594 with tyrosine.
Molecular consequence: missense variant.
Genome position (GRCh38, 1-based): chr10:43,113,576, C>T. VCF-style: chr10-43113576-C-T. GRCh37 (hg19) VCF-style: chr10-43609024-C-T.
Other names: c.1780C>T, p.His594Tyr (NM_000323.2, NM_001406743.1, NM_001406744.1 and 6 more transcripts); c.1018C>T, p.His340Tyr (NM_001355216.2); c.1651C>T, p.His551Tyr (NM_001406761.1, NM_001406762.1, NM_001406764.1 and 1 more transcripts); c.1492C>T, p.His498Tyr (NM_001406766.1, NM_001406767.1, NM_001406770.1); c.1384C>T, p.His462Tyr (NM_001406769.1, NM_001406772.1); c.1342C>T, p.His448Tyr (NM_001406771.1, NM_001406773.1); c.1255C>T, p.His419Tyr (NM_001406774.1); c.1054C>T, p.His352Tyr (NM_001406775.1, NM_001406776.1, NM_001406777.1 and 1 more transcripts); and 5 more; short protein forms H340Y, H594Y, H252Y, H419Y, H462Y, H498Y, H111Y, H264Y.
Identifiers: ClinVar variation 937751 (VCV000937751.10), dbSNP rs778622905, ClinGen allele CA035653.

ClinVar aggregate classification (germline): Uncertain significance (1 of 4 stars; one submission).

Conditions:
Multiple endocrine neoplasia, type 2 (MEN2). Identifiers: Orphanet 653, MedGen C4048306, MONDO:0019003. Disease mechanism: gain of function.

Allele frequency attached by ClinVar (database versions not stated): gnomAD exomes below 0.00001; ExAC 0.00001.

Submission:

Labcorp Genetics (formerly Invitae), Labcorp
Classification: Uncertain significance for Multiple endocrine neoplasia, type 2. Last evaluated: 2024-07-19. Review status: criteria provided, single submitter. Criteria: Invitae Variant Classification Sherloc (09022015). Collection method: clinical testing. Allele origin: germline.
Comment: This sequence change replaces histidine, which is basic and polar, with tyrosine, which is neutral and polar, at codon 594 of the RET protein (p.His594Tyr). The frequency data for this variant in the population databases is considered unreliable, as metrics indicate poor data quality at this position in the gnomAD database. This variant has not been reported in the literature in individuals affected with RET-related conditions. ClinVar contains an entry for this variant (Variation ID: 937751). An algorithm developed to predict the effect of missense changes on protein structure and function outputs the following: PolyPhen-2: "Benign". The tyrosine amino acid residue is found in multiple mammalian species, which suggests that this missense change does not adversely affect protein function. In summary, the available evidence is currently insufficient to determine the role of this variant in disease. Therefore, it has been classified as a Variant of Uncertain Significance.